The following is an entry in ClinVar:

ClinVar aggregate classification (germline): Benign (1 of 4 stars; one submission).

Conditions:
Fibrous dysplasia of jaw (CRBM). Also called: Cherubism. Identifiers: Orphanet 184, MedGen C0008029, MONDO:0007315, OMIM 118400.

Allele frequency attached by ClinVar (database versions not stated): gnomAD 0.00117 and 0.00168; TOPMed 0.00121; gnomAD exomes 0.00261; 1000 Genomes Project 30x 0.00500; 1000 Genomes Project 0.00539.
gnomAD v4.1: 392 of 206,298 alleles (0.19%); highest among the groups gnomAD compares: South Asian, 1.7%; 2 homozygotes.

Submission:

Illumina Laboratory Services, Illumina
Classification: Benign for Fibrous dysplasia of jaw. Last evaluated: 2018-01-12. Review status: criteria provided, single submitter. Criteria: ICSL Variant Classification Criteria 13 December 2019. Collection method: clinical testing. Allele origin: germline.
Comment: This variant was observed in the ICSL laboratory as part of a predisposition screen in an ostensibly healthy population. It had not been previously curated by ICSL or reported in the Human Gene Mutation Database (HGMD: prior to June 1st, 2018), and was therefore a candidate for classification through an automated scoring system. Utilizing variant allele frequency, disease prevalence and penetrance estimates, and inheritance mode, an automated score was calculated to assess if this variant is too frequent to cause the disease. Based on the score and internal cut-off values, a variant classified as benign is not then subjected to further curation. The score for this variant resulted in a classification of benign for this disease.

NM_001122681.2(SH3BP2):c.*372G>A

Gene: SH3BP2 (SH3 domain binding protein 2; plus strand). Cytogenetic location: 4p16.3.
Variant type: single nucleotide variant.
Coding change: c.*372G>A on transcript NM_001122681.2 (MANE Select); 372 bases downstream of the stop codon, G replaced by A.
Molecular consequence: 3 prime UTR variant.
Genome position (GRCh38, 1-based): chr4:2,834,206, G>A. VCF-style: chr4-2834206-G-A. GRCh37 (hg19) VCF-style: chr4-2835933-G-A.
Other names: c.*372G>A (LRG_1334t2, LRG_1334t1, NM_001145855.2 and 2 more transcripts).
Identifiers: ClinVar variation 348601 (VCV000348601.5), dbSNP rs556644429, ClinGen allele CA10620913.